The following is an entry in ClinVar:

ClinVar aggregate classification (germline): Likely benign. Review status: criteria provided, multiple submitters, no conflicts (2 of 4 stars). 5 submissions from 5 submitters: Likely benign (5). Last evaluated 2025-10-06.

Conditions:
TGFBR2-related disorder. Also called: TGFBR2-related condition.
Familial thoracic aortic aneurysm and aortic dissection (TAAD). Also called: Thoracic aortic aneurysms and dissections. Identifiers: Orphanet 91387, MedGen C4707243, MONDO:0019625.

Allele frequency attached by ClinVar (database versions not stated): ESP Exome Variant Server 0.00008; gnomAD 0.00008 and 0.00010; ExAC 0.00012; TOPMed 0.00014; 1000 Genomes Project 30x 0.00031; 1000 Genomes Project 0.00040.

Submissions (5):

Labcorp Genetics (formerly Invitae), Labcorp
Classification: Likely benign for Familial thoracic aortic aneurysm and aortic dissection. Last evaluated: 2025-10-06. Review status: criteria provided, single submitter. Criteria: Invitae Variant Classification Sherloc (09022015). Collection method: clinical testing. Allele origin: germline.

PreventionGenetics, part of Exact Sciences
Classification: Likely benign for TGFBR2-related condition. Last evaluated: 2025-05-30. Review status: criteria provided, single submitter. Criteria: ACMG Guidelines, 2015. Collection method: clinical testing. Allele origin: germline.
Comment: This variant is classified as likely benign based on ACMG/AMP sequence variant interpretation guidelines (Richards et al. 2015 PMID: 25741868, with internal and published modifications).

ARUP Laboratories, Molecular Genetics and Genomics, ARUP Laboratories
Classification: Likely benign. Last evaluated: 2022-02-03. Review status: criteria provided, single submitter. Criteria: ARUP Molecular Germline Variant Investigation Process 2021. Collection method: clinical testing. Allele origin: germline.

Ambry Genetics
Classification: Likely benign for Familial thoracic aortic aneurysm and aortic dissection. Last evaluated: 2021-06-15. Review status: criteria provided, single submitter. Criteria: Ambry Variant Classification Scheme 2023. Collection method: clinical testing. Allele origin: germline.

Color Diagnostics, LLC DBA Color Health
Classification: Likely benign for Familial thoracic aortic aneurysm and aortic dissection. Last evaluated: 2018-10-10. Review status: criteria provided, single submitter. Criteria: ACMG Guidelines, 2015. Collection method: clinical testing. Allele origin: germline.

NM_003242.6(TGFBR2):c.577C>T (p.Arg193Trp)

Gene: TGFBR2 (transforming growth factor beta receptor 2; plus strand). Cytogenetic location: 3p24.1.
Variant type: single nucleotide variant.
Coding change: c.577C>T on transcript NM_003242.6 (MANE Select); coding-DNA position 577, C replaced by T.
Protein change: p.Arg193Trp; replaces arginine 193 with tryptophan.
Molecular consequence: missense variant.
Genome position (GRCh38, 1-based): chr3:30,671,760, C>T. VCF-style: chr3-30671760-C-T. GRCh37 (hg19) VCF-style: chr3-30713252-C-T.
Other names: c.685C>T, p.Arg229Trp (NM_001407127.1); c.604C>T, p.Arg202Trp (NM_001407128.1); c.580C>T, p.Arg194Trp (NM_001407129.1); c.577C>T, p.Arg193Trp (NM_001407130.1); c.472C>T, p.Arg158Trp (NM_001407132.1, NM_001407133.1, NM_001407134.1 and 2 more transcripts); c.652C>T, p.Arg218Trp (NM_001024847.3); c.760C>T, p.Arg254Trp (NM_001407126.1); c.292C>T, p.Arg98Trp (NM_001407137.1); and 1 more; short protein forms R193W, R218W, R158W, R194W, R202W, R98W, R229W, R254W.
Identifiers: ClinVar variation 213941 (VCV000213941.20), dbSNP rs61762550, ClinGen allele CA049333.